The following is an entry in ClinVar:

NM_015338.6(ASXL1):c.3149T>C (p.Met1050Thr)

Gene: ASXL1 (ASXL transcriptional regulator 1; plus strand). Cytogenetic location: 20q11.21.
Variant type: single nucleotide variant.
Coding change: c.3149T>C on transcript NM_015338.6 (MANE Select); coding-DNA position 3149, T replaced by C.
Protein change: p.Met1050Thr; replaces methionine 1050 with threonine.
Molecular consequence: missense variant.
Genome position (GRCh38, 1-based): chr20:32,435,861, T>C. VCF-style: chr20-32435861-T-C. GRCh37 (hg19) VCF-style: chr20-31023664-T-C.
Other names: c.2966T>C, p.Met989Thr (NM_001363734.1); short protein forms M1050T, M989T.
Identifiers: ClinVar variation 1985056 (VCV001985056.6), dbSNP rs374141406, ClinGen allele CA9808766.

ClinVar aggregate classification (germline): Conflicting classifications of pathogenicity. Review status: criteria provided, conflicting classifications (1 of 4 stars). 2 submissions from 2 submitters: Uncertain significance (1); Likely benign (1). Last evaluated 2025-08-27.

Conditions:
Inborn genetic diseases. Identifiers: MedGen C0950123, MeSH D030342.

Allele frequency attached by ClinVar (database versions not stated): ExAC 0.00002; gnomAD 0.00002; TOPMed 0.00002; gnomAD exomes 0.00004; ESP Exome Variant Server 0.00008.

Submissions (2):

Ambry Genetics
Classification: Likely benign for Inborn genetic diseases. Last evaluated: 2025-08-27. Review status: criteria provided, single submitter. Criteria: Ambry Variant Classification Scheme 2023. Collection method: clinical testing. Allele origin: germline.

Labcorp Genetics (formerly Invitae), Labcorp
Classification: Uncertain significance. Last evaluated: 2024-10-28. Review status: criteria provided, single submitter. Criteria: Invitae Variant Classification Sherloc (09022015). Collection method: clinical testing. Allele origin: germline.
Comment: This sequence change replaces methionine, which is neutral and non-polar, with threonine, which is neutral and polar, at codon 1050 of the ASXL1 protein (p.Met1050Thr). This variant is present in population databases (rs374141406, gnomAD 0.008%). This variant has not been reported in the literature in individuals affected with ASXL1-related conditions. ClinVar contains an entry for this variant (Variation ID: 1985056). An algorithm developed to predict the effect of missense changes on protein structure and function (PolyPhen-2) suggests that this variant is likely to be tolerated. In summary, the available evidence is currently insufficient to determine the role of this variant in disease. Therefore, it has been classified as a Variant of Uncertain Significance.